The following is an entry in ClinVar:

ClinVar aggregate classification (germline): Uncertain significance (1 of 4 stars; one submission).

Allele frequency attached by ClinVar (database versions not stated): gnomAD exomes below 0.00001; gnomAD 0.00001.
gnomAD v4.1: 2 of 1,613,736 alleles (0.00012%); highest among the groups gnomAD compares: African/African-American, 0.0027%; no homozygotes.

Submission:

ARUP Laboratories, Molecular Genetics and Genomics, ARUP Laboratories
Classification: Uncertain significance. Last evaluated: 2017-09-16. Review status: criteria provided, single submitter. Criteria: ARUP Molecular Germline Variant Investigation Process. Collection method: clinical testing. Allele origin: germline.
Comment: The p.Pro87Arg variant has not been reported in the medical literature, is not listed in gene-specific variant databases, nor has it been previously identified in our laboratory. It is listed in the Genome Aggregation Database (gnomAD) browser with an overall frequency of 0.0004% (identified in 1 out of 245,682 chromosomes). The proline at codon 87 is moderately conserved, and chimp, Zebrafinch, Zebrafish have an arginine at this position, suggesting this change is evolutionary tolerated. Furthermore, computational analyses suggest this variant does not have a significant effect on PCK2 protein structure/function (SIFT: tolerated, PolyPhen2: benign). However, due to the low population frequency, the clinical significance of the p.dot variant cannot be determined with certainty.

NM_004563.4(PCK2):c.260C>G (p.Pro87Arg)

Genes: PCK2 (phosphoenolpyruvate carboxykinase 2, mitochondrial; plus strand), NRL (neural retina leucine zipper; minus strand). Cytogenetic location: 14q11.2.
Variant type: single nucleotide variant.
Coding change: c.260C>G on transcript NM_004563.4 (MANE Select); coding-DNA position 260, C replaced by G.
Protein change: p.Pro87Arg; replaces proline 87 with arginine.
Molecular consequence: missense variant. On other transcripts: 5 prime UTR variant (1), intron variant (4).
Genome position (GRCh38, 1-based): chr14:24,097,122, C>G. VCF-style: chr14-24097122-C-G. GRCh37 (hg19) VCF-style: chr14-24566331-C-G.
Other names: c.260C>G, p.Pro87Arg (NM_001018073.3); c.-143C>G (NM_001308054.2); c.-27-14247G>C (NM_001354768.3, NM_001354770.2); c.-253-12377G>C (NM_006177.5); c.-127-1081C>G (NM_001291556.2); short protein forms P87R.
Identifiers: ClinVar variation 618264 (VCV000618264.8), dbSNP rs1363281259, ClinGen allele CA389193755.